The following is an entry in ClinVar:

ClinVar aggregate classification (germline): Uncertain significance. Review status: criteria provided, multiple submitters, no conflicts (2 of 4 stars). 2 submissions from 2 submitters: Uncertain significance (2). Last evaluated 2023-12-17.

Conditions:
Charcot-Marie-Tooth disease dominant intermediate C (CMTDIC). Also called: CHARCOT-MARIE-TOOTH NEUROPATHY, DOMINANT INTERMEDIATE C. Identifiers: Orphanet 100045, MedGen C1842237, MONDO:0012012, OMIM 608323.

Submissions (2):

Labcorp Genetics (formerly Invitae), Labcorp
Classification: Uncertain significance for Charcot-Marie-Tooth disease dominant intermediate C. Last evaluated: 2023-12-17. Review status: criteria provided, single submitter. Criteria: Invitae Variant Classification Sherloc (09022015). Collection method: clinical testing. Allele origin: germline.
Comment: This sequence change replaces leucine, which is neutral and non-polar, with methionine, which is neutral and non-polar, at codon 72 of the YARS protein (p.Leu72Met). This variant is not present in population databases (gnomAD no frequency). This variant has not been reported in the literature in individuals affected with YARS-related conditions. ClinVar contains an entry for this variant (Variation ID: 1803617). Advanced modeling of protein sequence and biophysical properties (such as structural, functional, and spatial information, amino acid conservation, physicochemical variation, residue mobility, and thermodynamic stability) performed at Invitae indicates that this missense variant is expected to disrupt YARS protein function with a positive predictive value of 80%. In summary, the available evidence is currently insufficient to determine the role of this variant in disease. Therefore, it has been classified as a Variant of Uncertain Significance.

GeneDx
Classification: Uncertain significance. Last evaluated: 2022-06-06. Review status: criteria provided, single submitter. Criteria: GeneDx Variant Classification Process June 2021. Collection method: clinical testing. Allele origin: germline. Affected: yes.
Comment: Not observed at significant frequency in large population cohorts (gnomAD); In silico analysis supports that this missense variant does not alter protein structure/function; Has not been previously published as pathogenic or benign to our knowledge

NM_003680.4(YARS1):c.214C>A (p.Leu72Met)

Gene: YARS1 (tyrosyl-tRNA synthetase 1; minus strand). Cytogenetic location: 1p35.1.
Variant type: single nucleotide variant.
Coding change: c.214C>A on transcript NM_003680.4 (MANE Select); coding-DNA position 214, C replaced by A.
Protein change: p.Leu72Met; replaces leucine 72 with methionine.
Molecular consequence: missense variant.
Genome position (GRCh38, 1-based): chr1:32,810,757, G>T on the plus strand (C>A on the coding strand, the complement: YARS1 is on the minus strand). VCF-style: chr1-32810757-G-T. GRCh37 (hg19) VCF-style: chr1-33276358-G-T.
Other names: short protein forms L72M.
Identifiers: ClinVar variation 1803617 (VCV001803617.4), dbSNP rs2523436174, ClinGen allele CA339687365.